The following is an entry in ClinVar:

NM_001130009.3(GEN1):c.752A>G (p.Gln251Arg)

Gene: GEN1 (GEN1 structure-specific endonuclease; plus strand). Cytogenetic location: 2p24.2.
Variant type: single nucleotide variant.
Coding change: c.752A>G on transcript NM_001130009.3 (MANE Select); coding-DNA position 752, A replaced by G.
Protein change: p.Gln251Arg; replaces glutamine 251 with arginine.
Molecular consequence: missense variant.
Genome position (GRCh38, 1-based): chr2:17,771,237, A>G. VCF-style: chr2-17771237-A-G. GRCh37 (hg19) VCF-style: chr2-17952504-A-G.
Other names: c.752A>G (NM_001130009.1); c.752A>G, p.Gln251Arg (NM_182625.5); short protein forms Q251R.
Identifiers: ClinVar variation 2894172 (VCV002894172.5), dbSNP rs1174267594, ClinGen allele CA345914939.

ClinVar aggregate classification (germline): Uncertain significance. Review status: criteria provided, multiple submitters, no conflicts (2 of 4 stars). 2 submissions from 2 submitters: Uncertain significance (2). Last evaluated 2025-05-03.

Allele frequency attached by ClinVar (database versions not stated): gnomAD exomes below 0.00001; gnomAD 0.00001; TOPMed 0.00001.
gnomAD v4.1: 3 of 1,612,262 alleles (0.00019%); highest among the groups gnomAD compares: African/African-American, 0.0013%; no homozygotes.

Submissions (2):

Ambry Genetics
Classification: Uncertain significance. Last evaluated: 2025-05-03. Review status: criteria provided, single submitter. Criteria: Ambry Variant Classification Scheme 2023. Collection method: clinical testing. Allele origin: germline.

Labcorp Genetics (formerly Invitae), Labcorp
Classification: Uncertain significance. Last evaluated: 2023-04-18. Review status: criteria provided, single submitter. Criteria: Invitae Variant Classification Sherloc (09022015). Collection method: clinical testing. Allele origin: germline.
Comment: In summary, the available evidence is currently insufficient to determine the role of this variant in disease. Therefore, it has been classified as a Variant of Uncertain Significance. An algorithm developed to predict the effect of missense changes on protein structure and function (PolyPhen-2) suggests that this variant is likely to be tolerated. This variant has not been reported in the literature in individuals affected with GEN1-related conditions. This variant is present in population databases (no rsID available, gnomAD 0.004%). This sequence change replaces glutamine, which is neutral and polar, with arginine, which is basic and polar, at codon 251 of the GEN1 protein (p.Gln251Arg).